The following is an entry in ClinVar:

NM_001386795.1(DTNA):c.1001+125dup

Gene: DTNA (dystrobrevin alpha; plus strand). Cytogenetic location: 18q12.1.
Variant type: Duplication.
Coding change: c.1001+125dup on transcript NM_001386795.1 (MANE Select); 125 bases into the intron after coding-DNA position 1001, one base duplicated (A; older notation c.1001+125dupA).
Molecular consequence: intron variant.
Genome position (GRCh38, 1-based): chr18:34,821,040, A duplicated; the last of 10 consecutive A bases (chr18:34,821,031-34,821,040); duplicating any one gives the same sequence. VCF-style (leftmost placement, unchanged base first): chr18-34821030-T-TA. GRCh37 (hg19) VCF-style: chr18-32400994-T-TA.
Other names: c.1001+125dup (NM_032975.4, NM_001386761.1, NM_001386762.1 and 34 more transcripts); c.603+8927dup (NM_001198945.2); c.251+125dup (NM_001198943.1); c.47+125dup (NM_001198942.1, NM_001198944.1, NM_032980.4 and 1 more transcripts).
Identifiers: ClinVar variation 2501585 (VCV002501585.1), dbSNP rs143240161, ClinGen allele CA297763326.

ClinVar aggregate classification (germline): Likely benign (1 of 4 stars; one submission).

Submission:

GeneDx
Classification: Likely benign. Last evaluated: 2019-12-26. Review status: criteria provided, single submitter. Criteria: GeneDx Variant Classification Process June 2021. Collection method: clinical testing. Allele origin: germline. Affected: yes.
Comment: See Variant Classification Assertion Criteria.